The following is an entry in ClinVar:

NM_024079.5(ALG8):c.877G>A (p.Asp293Asn)

Gene: ALG8 (ALG8 alpha-1,3-glucosyltransferase; minus strand). Cytogenetic location: 11q14.1.
Variant type: single nucleotide variant.
Coding change: c.877G>A on transcript NM_024079.5 (MANE Select); coding-DNA position 877, G replaced by A.
Protein change: p.Asp293Asn; replaces aspartic acid 293 with asparagine.
Molecular consequence: missense variant.
Genome position (GRCh38, 1-based): chr11:78,112,671, C>T on the plus strand (G>A on the coding strand, the complement: ALG8 is on the minus strand). VCF-style: chr11-78112671-C-T. GRCh37 (hg19) VCF-style: chr11-77823717-C-T.
Other names: c.877G>A, p.Asp293Asn (NM_001007027.3); short protein forms D293N.
Identifiers: ClinVar variation 388499 (VCV000388499.2), dbSNP rs775252072, ClinGen allele CA6203311.

ClinVar aggregate classification (germline): Uncertain significance (1 of 4 stars; one submission).

Allele frequency attached by ClinVar (database versions not stated): gnomAD exomes 0.00002 and 0.00006; ExAC 0.00006.

Submission:

GeneDx
Classification: Uncertain significance. Last evaluated: 2016-08-17. Review status: criteria provided, single submitter. Criteria: GeneDx Variant Classification (06012015). Collection method: clinical testing. Allele origin: germline. Affected: yes.
Comment: The D293N variant in the ALG8 gene has not been reported previously as a pathogenic variant, nor as a benign variant, to our knowledge. The D293N variant was not observed in approximately 6500 individuals of European and African American ancestry in the NHLBI Exome Sequencing Project, indicating it is not a common benign variant in these populations. The D293N variant is a semi-conservative amino acid substitution, which may impact secondary protein structure as these residues differ in some properties. This substitution occurs at a position that is conserved across species, and in silico analysis predicts this variant is probably damaging to the protein structure/function. We interpret D293N as a variant of uncertain significance.